The following is an entry in ClinVar:

NM_003859.3(DPM1):c.485_487del (p.Lys162del)

Genes: ADNP-AS1 (ADNP antisense RNA 1; plus strand), DPM1 (dolichyl-phosphate mannosyltransferase subunit 1, catalytic; minus strand). Cytogenetic location: 20q13.13.
Variant type: Deletion.
Coding change: c.485_487del on transcript NM_003859.3 (MANE Select); coding-DNA positions 485 to 487, 3 bases deleted (AAA; older notation c.485_487delAAA).
Protein change: p.Lys162del; deletes lysine 162.
Molecular consequence: inframe deletion. On other transcripts: non-coding transcript variant (1).
Genome position (GRCh38, 1-based): chr20:50,942,038-50,942,040, TTT deleted on the plus strand (AAA on the coding strand, the reverse complement: DPM1 is on the minus strand); deleting any 3 consecutive bases within chr20:50,942,038-50,942,042 gives the same sequence; the c. name uses the placement nearest the transcript's 3' end. VCF-style (leftmost placement, unchanged base first): chr20-50942037-ATTT-A. GRCh37 (hg19) VCF-style: chr20-49558574-ATTT-A.
Other names: c.485_487delAAA (NM_003859.3); c.485_487del, p.Lys162del (NM_001317034.1, NM_001317035.1, NM_001317036.1); short protein forms K162del.
Identifiers: ClinVar variation 4689173 (VCV004689173.1).

ClinVar aggregate classification (germline): Uncertain significance (1 of 4 stars; one submission).

Submission:

Women's Health and Genetics/Laboratory Corporation of America, LabCorp
Classification: Uncertain significance. Last evaluated: 2026-01-28. Review status: criteria provided, single submitter. Criteria: LabCorp Variant Classification Summary - May 2015. Collection method: clinical testing. Allele origin: germline.
Comment: Variant summary: DPM1 c.485_487delAAA (p.Lys162del) results in an in-frame deletion that is predicted to remove 1 amino acid from the encoded protein. The variant allele was found at a frequency of 4e-06 in 251468 control chromosomes. The available data on variant occurrences in the general population are insufficient to allow any conclusion about variant significance. c.485_487delAAA has been observed in at-least one individual affected with Congenital Disorder Of Glycosylation (example, Lam_2024, internal data). These data do not allow any conclusion about variant significance. To our knowledge, no experimental evidence demonstrating an impact on protein function has been reported. No submitters have cited clinical-significance assessments for this variant to ClinVar. The following publications has been ascertained in the context of this evaluation (PMID: 38959600). Based on the evidence outlined above, the variant was classified as uncertain significance.

Literature cited by the submitters: PubMed 38959600.